The following is an entry in ClinVar:

ClinVar aggregate classification (germline): Uncertain significance (1 of 4 stars; one submission).

Conditions:
Familial hemophagocytic lymphohistiocytosis 4 (FHL4). Also called: STX11-Related Familial Hemophagocytic Lymphohistiocytosis (STX11-fHLH). Identifiers: Orphanet 540, MedGen C1863728, MONDO:0011336, OMIM 603552.

gnomAD v4.1: 1 of 1,613,638 alleles (0.000062%); highest among the groups gnomAD compares: Non-Finnish European, 0.000085%; no homozygotes.

Submission:

Labcorp Genetics (formerly Invitae), Labcorp
Classification: Uncertain significance for Familial hemophagocytic lymphohistiocytosis 4. Last evaluated: 2023-03-10. Review status: criteria provided, single submitter. Criteria: Invitae Variant Classification Sherloc (09022015). Collection method: clinical testing. Allele origin: germline.
Comment: Advanced modeling of protein sequence and biophysical properties (such as structural, functional, and spatial information, amino acid conservation, physicochemical variation, residue mobility, and thermodynamic stability) performed at Invitae indicates that this missense variant is not expected to disrupt STX11 protein function. In summary, the available evidence is currently insufficient to determine the role of this variant in disease. Therefore, it has been classified as a Variant of Uncertain Significance. ClinVar contains an entry for this variant (Variation ID: 1393560). This sequence change replaces arginine, which is basic and polar, with serine, which is neutral and polar, at codon 212 of the STX11 protein (p.Arg212Ser). This variant is not present in population databases (gnomAD no frequency). This variant has not been reported in the literature in individuals affected with STX11-related conditions.

NM_003764.4(STX11):c.634C>A (p.Arg212Ser)

Gene: STX11 (syntaxin 11; plus strand). Cytogenetic location: 6q24.2.
Variant type: single nucleotide variant.
Coding change: c.634C>A on transcript NM_003764.4 (MANE Select); coding-DNA position 634, C replaced by A.
Protein change: p.Arg212Ser; replaces arginine 212 with serine.
Molecular consequence: missense variant.
Genome position (GRCh38, 1-based): chr6:144,187,261, C>A. VCF-style: chr6-144187261-C-A. GRCh37 (hg19) VCF-style: chr6-144508398-C-A.
Other names: short protein forms R212S.
Identifiers: ClinVar variation 1393560 (VCV001393560.5), dbSNP rs1279778517, ClinGen allele CA365949669.